The following is an entry in ClinVar:

NM_000093.5(COL5A1):c.2430+1G>A

Gene: COL5A1 (collagen type V alpha 1 chain; plus strand). Cytogenetic location: 9q34.3.
Variant type: single nucleotide variant.
Coding change: c.2430+1G>A on transcript NM_000093.5 (MANE Select); the canonical splice donor site of the intron after coding-DNA position 2430, G replaced by A.
Molecular consequence: splice donor variant.
Genome position (GRCh38, 1-based): chr9:134,780,147, G>A. VCF-style: chr9-134780147-G-A. GRCh37 (hg19) VCF-style: chr9-137671993-G-A.
Other names: c.2430+1G>A (NM_001278074.1).
Identifiers: ClinVar variation 409094 (VCV000409094.9), dbSNP rs1060502248, ClinGen allele CA16612796.

ClinVar aggregate classification (germline): Pathogenic/Likely pathogenic. Review status: criteria provided, multiple submitters, no conflicts (2 of 4 stars). 2 submissions from 2 submitters: Pathogenic (1); Likely pathogenic (1). Last evaluated 2022-05-27.

Conditions:
Ehlers-Danlos syndrome, classic type, 1 (EDSCL1). Also called: EHLERS-DANLOS SYNDROME, GRAVIS TYPE; EHLERS-DANLOS SYNDROME, SEVERE CLASSIC TYPE; Ehlers-Danlos Syndrome, Classic Type, COL5A1-Related; EDS I; Ehlers-Danlos syndrome, type 1. Identifiers: MedGen C0268335, MONDO:0019567, OMIM 130000.

Submissions (2):

GeneDx
Classification: Likely pathogenic. Last evaluated: 2022-05-27. Review status: criteria provided, single submitter. Criteria: GeneDx Variant Classification Process June 2021. Collection method: clinical testing. Allele origin: germline. Affected: yes.
Comment: Damages or destroys the splice donor site in intron 28, and is expected to cause abnormal gene splicing; if the splice outcome is exon skip, the loss of the encoded residues in the triple helical region is expected to disrupt normal protein folding and function (Symoens et al., 2012; HGMD); Published functional studies suggest aberrant splicing which leads to a frameshift and premature stop codon (Wenstrup et al., 2000); Not observed at significant frequency in large population cohorts (gnomAD); This variant is associated with the following publications: (PMID: 25525159, 22696272, 10777716)

Labcorp Genetics (formerly Invitae), Labcorp
Classification: Pathogenic for Ehlers-Danlos syndrome, classic type, 1. Last evaluated: 2022-02-05. Review status: criteria provided, single submitter. Criteria: Invitae Variant Classification Sherloc (09022015). Collection method: clinical testing. Allele origin: germline.
Comment: Disruption of this splice site has been observed in individuals with Ehlers-Danlos syndrome (PMID: 10777716, 22696272). It has also been observed to segregate with disease in related individuals. This variant is not present in population databases (gnomAD no frequency). This sequence change affects a donor splice site in intron 28 of the COL5A1 gene. RNA analysis indicates that disruption of this splice site induces altered splicing and may result in an absent or disrupted protein product. ClinVar contains an entry for this variant (Variation ID: 409094). For these reasons, this variant has been classified as Pathogenic. Studies have shown that disruption of this splice site results in inclusion of part of intron 28 and introduces a premature termination codon (PMID: 10777716). The resulting mRNA is expected to undergo nonsense-mediated decay.

Literature cited by the submitters: PubMed 10777716 (cited by Labcorp Genetics (formerly Invitae), Labcorp); PubMed 22696272 (cited by Labcorp Genetics (formerly Invitae), Labcorp).